The following is an entry in ClinVar:

NM_000090.4(COL3A1):c.219C>T (p.Asp73=)

Gene: COL3A1 (collagen type III alpha 1 chain; plus strand). Cytogenetic location: 2q32.2.
Variant type: single nucleotide variant.
Coding change: c.219C>T on transcript NM_000090.4 (MANE Select); coding-DNA position 219, C replaced by T.
Protein change: p.Asp73=; no amino-acid change (aspartic acid 73 retained).
Molecular consequence: synonymous variant.
Genome position (GRCh38, 1-based): chr2:188,984,899, C>T. VCF-style: chr2-188984899-C-T. GRCh37 (hg19) VCF-style: chr2-189849625-C-T.
Identifiers: ClinVar variation 254961 (VCV000254961.19), dbSNP rs886038228, ClinGen allele CA10586809.

ClinVar aggregate classification (germline): Conflicting classifications of pathogenicity. Review status: criteria provided, conflicting classifications (1 of 4 stars). 7 submissions from 7 submitters: Uncertain significance (1); Likely benign (6). Last evaluated 2026-06-15.

Conditions:
Connective tissue disorder. Also called: Connective tissue disease. Identifiers: MedGen C0009782, MONDO:0003900.
Ehlers-Danlos syndrome (EDS). Identifiers: Orphanet 98249, MedGen C0013720, MONDO:0020066.
Familial thoracic aortic aneurysm and aortic dissection (TAAD). Also called: Thoracic aortic aneurysms and dissections. Identifiers: Orphanet 91387, MedGen C4707243, MONDO:0019625.
Ehlers-Danlos syndrome, type 4 (EDSVASC). Also called: Ehlers-Danlos syndrome vascular type; Ehlers Danlos syndrome, ecchymotic type; Ehlers Danlos syndrome, arterial type; Ehlers Danlos syndrome, Sack-Barabas type; Ehlers-Danlos Syndrome Type IV. Identifiers: Orphanet 286, MedGen C0268338, MONDO:0017314, OMIM 130050.

Allele frequency attached by ClinVar (database versions not stated): gnomAD 0.00001; TOPMed 0.00004; gnomAD exomes 0.00008.
gnomAD v4.1: 120 of 1,613,124 alleles (0.0074%); highest among the groups gnomAD compares: Non-Finnish European, 0.01%; no homozygotes.

Submissions (7):

Women's Health and Genetics/Laboratory Corporation of America, LabCorp
Classification: Likely benign. Last evaluated: 2026-06-15. Review status: criteria provided, single submitter. Criteria: LabCorp Variant Classification Summary - May 2015. Collection method: clinical testing. Allele origin: germline.

Labcorp Genetics (formerly Invitae), Labcorp
Classification: Likely benign for Ehlers-Danlos syndrome, type 4. Last evaluated: 2026-01-19. Review status: criteria provided, single submitter. Criteria: Invitae Variant Classification Sherloc (09022015). Collection method: clinical testing. Allele origin: germline.

All of Us Research Program, National Institutes of Health
Classification: Likely benign for Ehlers-Danlos syndrome, type 4. Last evaluated: 2023-11-30. Review status: criteria provided, single submitter. Criteria: ACMG Guidelines, 2015. Collection method: clinical testing. Allele origin: germline. Inheritance: Autosomal dominant inheritance. Observed: 5 variant alleles, 5 heterozygotes.
Comment: This study involves interpretation of variants in research participants for the purpose of population health screening. Participant phenotype was not available at the time of variant classification. Additional details can be found in publication PMID: 35346344, PMCID: PMC8962531

Genome Diagnostics Laboratory, The Hospital for Sick Children
Classification: Uncertain significance for Ehlers-Danlos syndrome. Last evaluated: 2019-12-01. Review status: criteria provided, single submitter. Criteria: ACMG Guidelines, 2015. Collection method: clinical testing. Allele origin: germline.

Color Diagnostics, LLC DBA Color Health
Classification: Likely benign for Familial thoracic aortic aneurysm and aortic dissection. Last evaluated: 2018-11-30. Review status: criteria provided, single submitter. Criteria: ACMG Guidelines, 2015. Collection method: clinical testing. Allele origin: germline.

Center for Human Genetics, Inc
Classification: Likely benign for Connective tissue disorder. Last evaluated: 2016-11-01. Review status: criteria provided, single submitter. Criteria: ACMG Guidelines, 2015. Collection method: clinical testing. Allele origin: germline. Affected: yes.

PreventionGenetics, part of Exact Sciences
Classification: Likely benign. Review status: criteria provided, single submitter. Criteria: ACMG Guidelines, 2015. Collection method: clinical testing. Allele origin: germline.